The following is an entry in ClinVar:

NM_013266.4(CTNNA3):c.1107_1108delinsAC (p.Thr370Pro)

Gene: CTNNA3 (catenin alpha 3; minus strand). Cytogenetic location: 10q21.3.
Variant type: Indel.
Coding change: c.1107_1108delinsAC on transcript NM_013266.4 (MANE Select); coding-DNA positions 1107 to 1108, GA replaced by AC.
Protein change: p.Thr370Pro; replaces threonine 370 with proline.
Molecular consequence: missense variant.
Genome position (GRCh38, 1-based): chr10:66,775,464-66,775,465, TC replaced by GT on the plus strand (GA replaced by AC on the coding strand, the reverse complement: CTNNA3 is on the minus strand). VCF-style: chr10-66775464-TC-GT. GRCh37 (hg19) VCF-style: chr10-68535222-TC-GT.
Other names: c.1107_1108delinsAC, p.Thr370Pro (NM_001127384.3); short protein forms T370P.
Identifiers: ClinVar variation 2767033 (VCV002767033.3), dbSNP rs2547557554, ClinGen allele CA2697558482.
Genomic context (GRCh38, chr10:66,775,464, plus strand): 5'-GCCCCTATGTTTCTGACTCCATATCTCTCTCTTCCCTCACCTGTCTGCGAAGGTCTCTTG[TC>GT]TTCTTACACATGTTGTCTAAAGCAATATTCAGGGTATTACTCCTTTCTTTTTTTCCAGCC-3'
Protein context (NP_037398.2, residues 360-380): NIALDNMCKK[Thr370Pro]RDLRRQLRKA

ClinVar aggregate classification (germline): Uncertain significance (1 of 4 stars; one submission).

Conditions:
Arrhythmogenic right ventricular dysplasia 13. Also called: ARRHYTHMOGENIC RIGHT VENTRICULAR CARDIOMYOPATHY 13; Arrhythmogenic right ventricular dysplasia, familial, 13. Identifiers: MedGen C3810138, MONDO:0000908, OMIM 615616.

Submission:

Labcorp Genetics (formerly Invitae), Labcorp
Classification: Uncertain significance for Arrhythmogenic right ventricular dysplasia 13. Last evaluated: 2025-02-05. Review status: criteria provided, single submitter. Criteria: Invitae Variant Classification Sherloc (09022015). Collection method: clinical testing. Allele origin: germline.
Comment: This sequence change replaces threonine, which is neutral and polar, with proline, which is neutral and non-polar, at codon 370 of the CTNNA3 protein (p.Thr370Pro). Information on the frequency of this variant in the gnomAD database is not available, as this variant may be reported differently in the database. This variant has not been reported in the literature in individuals affected with CTNNA3-related conditions. ClinVar contains an entry for this variant (Variation ID: 2767033). Experimental studies and prediction algorithms are not available or were not evaluated, and the functional significance of this variant is currently unknown. In summary, the available evidence is currently insufficient to determine the role of this variant in disease. Therefore, it has been classified as a Variant of Uncertain Significance.